The following is an entry in ClinVar:

ClinVar aggregate classification (germline): Uncertain significance (1 of 4 stars; one submission).

Conditions:
Developmental and epileptic encephalopathy, 8 (DEE8). Also called: HYPEREKPLEXIA AND EPILEPSY. Identifiers: Orphanet 163985, Orphanet 2076, MedGen C1845102, MONDO:0010375, OMIM 300607.

Allele frequency attached by ClinVar (database versions not stated): gnomAD exomes below 0.00001.
gnomAD v4.1: 1 of 1,211,433 alleles (0.000083%); highest among the groups gnomAD compares: Non-Finnish European, 0.00011%; no homozygotes.

Submission:

Labcorp Genetics (formerly Invitae), Labcorp
Classification: Uncertain significance for Developmental and epileptic encephalopathy, 8. Last evaluated: 2020-09-21. Review status: criteria provided, single submitter. Criteria: Invitae Variant Classification Sherloc (09022015). Collection method: clinical testing. Allele origin: germline.
Comment: In summary, the available evidence is currently insufficient to determine the role of this variant in disease. Therefore, it has been classified as a Variant of Uncertain Significance. Algorithms developed to predict the effect of missense changes on protein structure and function are either unavailable or do not agree on the potential impact of this missense change (SIFT: "Deleterious"; PolyPhen-2: "Probably Damaging"; Align-GVGD: "Class C0"). This variant has not been reported in the literature in individuals with ARHGEF9-related conditions. This variant is not present in population databases (ExAC no frequency). This sequence change replaces isoleucine with valine at codon 35 of the ARHGEF9 protein (p.Ile35Val). The isoleucine residue is moderately conserved and there is a small physicochemical difference between isoleucine and valine.

NM_001353921.2(ARHGEF9):c.124A>G (p.Ile42Val)

Gene: ARHGEF9 (Cdc42 guanine nucleotide exchange factor 9; minus strand). Cytogenetic location: Xq11.1.
Variant type: single nucleotide variant.
Coding change: c.124A>G on transcript NM_001353921.2 (MANE Select); coding-DNA position 124, A replaced by G.
Protein change: p.Ile42Val; replaces isoleucine 42 with valine.
Molecular consequence: missense variant. On other transcripts: 5 prime UTR variant (2), intron variant (6).
Genome position (GRCh38, 1-based): chrX:63,724,618, T>C on the plus strand (A>G on the coding strand, the complement: ARHGEF9 is on the minus strand). VCF-style: chrX-63724618-T-C. GRCh37 (hg19) VCF-style: chrX-62944498-T-C.
Other names: c.40A>G, p.Ile14Val (NM_001330495.2, NM_001353927.2, NM_001369033.1 and 8 more transcripts); c.124A>G, p.Ile42Val (NM_001353922.2); c.142A>G, p.Ile48Val (NM_001353923.1); c.103A>G, p.Ile35Val (NM_001353928.2, NM_001369030.1, NM_001369031.1 and 2 more transcripts); c.-340A>G (NM_001369042.1); c.-580A>G (NM_001369045.1); c.31-18169A>G (NM_001173479.2); c.10-18169A>G (NM_001369040.1, NM_001369039.1, NM_001353926.2 and 1 more transcripts); and 1 more; short protein forms I14V, I35V, I42V, I48V.
Identifiers: ClinVar variation 1026720 (VCV001026720.9), dbSNP rs2053845797, ClinGen allele CA413404169.